The following is an entry in ClinVar:

NM_015205.3(ATP11A):c.3201C>G (p.Ile1067Met)

Gene: ATP11A (ATPase phospholipid transporting 11A; plus strand). Cytogenetic location: 13q34.
Variant type: single nucleotide variant.
Coding change: c.3201C>G on transcript NM_015205.3 (MANE Select); coding-DNA position 3201, C replaced by G.
Protein change: p.Ile1067Met; replaces isoleucine 1067 with methionine.
Molecular consequence: missense variant.
Genome position (GRCh38, 1-based): chr13:112,875,815, C>G. VCF-style: chr13-112875815-C-G. GRCh37 (hg19) VCF-style: chr13-113530129-C-G.
Other names: c.3201C>G, p.Ile1067Met (NM_032189.4); short protein forms I1067M.
Identifiers: ClinVar variation 727383 (VCV000727383.12), dbSNP rs143014855, ClinGen allele CA7057510.

ClinVar aggregate classification (germline): Conflicting classifications of pathogenicity. Review status: criteria provided, conflicting classifications (1 of 4 stars). 4 submissions from 4 submitters: Uncertain significance (1); Likely benign (3). Last evaluated 2025-10-01.

Conditions:
ATP11A-related disorder. Also called: ATP11A-related condition.
Inborn genetic diseases. Identifiers: MedGen C0950123, MeSH D030342.

Allele frequency attached by ClinVar (database versions not stated): 1000 Genomes Project 30x 0.00016; 1000 Genomes Project 0.00020; ESP Exome Variant Server 0.00031; gnomAD 0.00060 and 0.00066; TOPMed 0.00065.
gnomAD v4.1: 162 of 1,614,026 alleles (0.01%); highest among the groups gnomAD compares: African/African-American, 0.19%; no homozygotes.

Submissions (4):

CeGaT Center for Human Genetics Tuebingen
Classification: Likely benign. Last evaluated: 2025-10-01. Review status: criteria provided, single submitter. Criteria: CeGaT Center For Human Genetics Tuebingen Variant Classification Criteria Version 2. Collection method: clinical testing. Allele origin: germline. Affected: yes. Observed: 1 variant allele.
Comment: ATP11A: BP5, BS1

PreventionGenetics, part of Exact Sciences
Classification: Likely benign for ATP11A-related condition. Last evaluated: 2025-01-03. Review status: criteria provided, single submitter. Criteria: ACMG Guidelines, 2015. Collection method: clinical testing. Allele origin: germline.
Comment: This variant is classified as likely benign based on ACMG/AMP sequence variant interpretation guidelines (Richards et al. 2015 PMID: 25741868, with internal and published modifications).

Ambry Genetics
Classification: Uncertain significance for Inborn genetic diseases. Last evaluated: 2023-03-24. Review status: criteria provided, single submitter. Criteria: Ambry Variant Classification Scheme 2023. Collection method: clinical testing. Allele origin: germline.

Labcorp Genetics (formerly Invitae), Labcorp
Classification: Likely benign. Last evaluated: 2018-04-28. Review status: criteria provided, single submitter. Criteria: Invitae Variant Classification Sherloc (09022015). Collection method: clinical testing. Allele origin: germline.